The following is an entry in ClinVar:

NM_001127511.3(APC):c.166-28615G>T

Gene: APC (APC regulator of Wnt signaling pathway; plus strand). Cytogenetic location: 5q22.2.
Variant type: single nucleotide variant.
Coding change: c.166-28615G>T on transcript NM_001127511.3; 28615 bases into the intron before coding-DNA position 166, G replaced by T.
Molecular consequence: intron variant.
Genome position (GRCh38, 1-based): chr5:112,737,711, G>T. VCF-style: chr5-112737711-G-T. GRCh37 (hg19) VCF-style: chr5-112073408-G-T.
Other names: c.-1053-17162G>T (NM_001407470.1, NM_001407472.1); c.-18-17162G>T (NM_001407447.1, NM_001354895.2, NM_001407456.1 and 7 more transcripts); c.166-28615G>T (NM_001407446.1, NM_001354897.2, NM_001354902.2); c.-42-28615G>T (NM_001407453.1).
Identifiers: ClinVar variation 4988220 (VCV004988220.1).

ClinVar aggregate classification (germline): Likely benign (1 of 4 stars; one submission).

Conditions:
APC-related disorder. Also called: APC-related condition.

gnomAD v4.1: 1 of 459,530 alleles (0.00022%); highest among the groups gnomAD compares: Admixed American, 0.0064%; no homozygotes.

Submission:

PreventionGenetics, part of Exact Sciences
Classification: Likely benign for APC-related condition. Last evaluated: 2026-08-28. Review status: criteria provided, single submitter. Criteria: ACMG Guidelines, 2015. Collection method: clinical testing. Allele origin: germline.
Comment: This variant is classified as likely benign based on ACMG/AMP sequence variant interpretation guidelines (Richards et al. 2015 PMID: 25741868, with internal and published modifications).